The following is an entry in ClinVar:

NM_004991.4(MECOM):c.1314T>A (p.Phe438Leu)

Gene: MECOM (MDS1 and EVI1 complex locus; minus strand). Cytogenetic location: 3q26.2.
Variant type: single nucleotide variant.
Coding change: c.1314T>A on transcript NM_004991.4 (MANE Select); coding-DNA position 1314, T replaced by A.
Protein change: p.Phe438Leu; replaces phenylalanine 438 with leucine.
Molecular consequence: missense variant. On other transcripts: intron variant (2).
Genome position (GRCh38, 1-based): chr3:169,116,558, A>T on the plus strand (T>A on the coding strand, the complement: MECOM is on the minus strand). VCF-style: chr3-169116558-A-T. GRCh37 (hg19) VCF-style: chr3-168834346-A-T.
Other names: c.945T>A, p.Phe315Leu (NM_001105077.4); c.750T>A, p.Phe250Leu (NM_001105078.4, NM_001164000.2, NM_001205194.2 and 4 more transcripts); c.753T>A, p.Phe251Leu (NM_001163999.2, NM_001366467.2, NM_001366468.2 and 1 more transcripts); c.1314T>A, p.Phe438Leu (NM_001366466.2); c.1133-791T>A (NM_001366473.2); c.569-791T>A (NM_001366474.2); c.1314T>A (NM_004991.3); short protein forms F251L, F315L, F250L, F438L.
Identifiers: ClinVar variation 3683554 (VCV003683554.3).

ClinVar aggregate classification (germline): Uncertain significance. Review status: criteria provided, multiple submitters, no conflicts (2 of 4 stars). 2 submissions from 2 submitters: Uncertain significance (2). Last evaluated 2025-08-30.

Conditions:
Inborn genetic diseases. Identifiers: MedGen C0950123, MeSH D030342.

gnomAD v4.1: 1 of 1,614,150 alleles (0.000062%); highest among the groups gnomAD compares: South Asian, 0.0011%; no homozygotes.

Submissions (2):

Ambry Genetics
Classification: Uncertain significance for Inborn genetic diseases. Last evaluated: 2025-08-30. Review status: criteria provided, single submitter. Criteria: Ambry Variant Classification Scheme 2023. Collection method: clinical testing. Allele origin: germline.
Comment: The p.F438L variant (also known as c.1314T>A), located in coding exon 8 of the MECOM gene, results from a T to A substitution at nucleotide position 1314. The phenylalanine at codon 438 is replaced by leucine, an amino acid with highly similar properties. This amino acid position is conserved. In addition, this alteration is predicted to be tolerated by in silico analysis. Based on the available evidence, the clinical significance of this variant remains unclear.

Labcorp Genetics (formerly Invitae), Labcorp
Classification: Uncertain significance. Last evaluated: 2024-11-27. Review status: criteria provided, single submitter. Criteria: Invitae Variant Classification Sherloc (09022015). Collection method: clinical testing. Allele origin: germline.
Comment: This sequence change replaces phenylalanine, which is neutral and non-polar, with leucine, which is neutral and non-polar, at codon 250 of the MECOM protein (p.Phe250Leu). This variant is not present in population databases (gnomAD no frequency). This variant has not been reported in the literature in individuals affected with MECOM-related conditions. An algorithm developed to predict the effect of missense changes on protein structure and function (PolyPhen-2) suggests that this variant is likely to be tolerated. In summary, the available evidence is currently insufficient to determine the role of this variant in disease. Therefore, it has been classified as a Variant of Uncertain Significance.